The following is an entry in ClinVar:

ClinVar aggregate classification (germline): Uncertain significance. Review status: criteria provided, multiple submitters, no conflicts (2 of 4 stars). 2 submissions from 2 submitters: Uncertain significance (2). Last evaluated 2025-04-01.

Conditions:
Nephronophthisis 14 (NPHP14). Identifiers: Orphanet 2318, MedGen C3539071, MONDO:0013916, OMIM 614844.

Allele frequency attached by ClinVar (database versions not stated): TOPMed below 0.00001; gnomAD 0.00001 and 0.00003; gnomAD exomes 0.00001; ExAC 0.00003; ESP Exome Variant Server 0.00008.
gnomAD v4.1: 17 of 1,613,876 alleles (0.0011%); highest among the groups gnomAD compares: Non-Finnish European, 0.0014%; no homozygotes.

Submissions (2):

CeGaT Center for Human Genetics Tuebingen
Classification: Uncertain significance. Last evaluated: 2025-04-01. Review status: criteria provided, single submitter. Criteria: CeGaT Center For Human Genetics Tuebingen Variant Classification Criteria Version 2. Collection method: clinical testing. Allele origin: germline. Affected: yes. Observed: 1 variant allele.
Comment: ZNF423: PM2

Labcorp Genetics (formerly Invitae), Labcorp
Classification: Uncertain significance for Nephronophthisis 14. Last evaluated: 2025-03-17. Review status: criteria provided, single submitter. Criteria: Invitae Variant Classification Sherloc (09022015). Collection method: clinical testing. Allele origin: germline.
Comment: This sequence change replaces serine, which is neutral and polar, with leucine, which is neutral and non-polar, at codon 236 of the ZNF423 protein (p.Ser236Leu). This variant is present in population databases (rs368934122, gnomAD 0.003%). This variant has not been reported in the literature in individuals affected with ZNF423-related conditions. ClinVar contains an entry for this variant (Variation ID: 1436786). Invitae Evidence Modeling of protein sequence and biophysical properties (such as structural, functional, and spatial information, amino acid conservation, physicochemical variation, residue mobility, and thermodynamic stability) indicates that this missense variant is not expected to disrupt ZNF423 protein function with a negative predictive value of 80%. In summary, the available evidence is currently insufficient to determine the role of this variant in disease. Therefore, it has been classified as a Variant of Uncertain Significance.

NM_001379286.1(ZNF423):c.731C>T (p.Ser244Leu)

Gene: ZNF423 (zinc finger protein 423; minus strand). Cytogenetic location: 16q12.1.
Variant type: single nucleotide variant.
Coding change: c.731C>T on transcript NM_001379286.1 (MANE Select); coding-DNA position 731, C replaced by T.
Protein change: p.Ser244Leu; replaces serine 244 with leucine.
Molecular consequence: missense variant.
Genome position (GRCh38, 1-based): chr16:49,638,445, G>A on the plus strand (C>T on the coding strand, the complement: ZNF423 is on the minus strand). VCF-style: chr16-49638445-G-A. GRCh37 (hg19) VCF-style: chr16-49672356-G-A.
Other names: c.527C>T, p.Ser176Leu (NM_001271620.2); c.356C>T, p.Ser119Leu (NM_001330533.2); c.707C>T, p.Ser236Leu (NM_015069.5); short protein forms S236L, S244L, S119L, S176L.
Identifiers: ClinVar variation 1436786 (VCV001436786.15), dbSNP rs368934122, ClinGen allele CA8046832.
Genomic context (GRCh38, chr16:49,638,445, plus strand): 5'-TTCTCCGACTTGGCCAGATGCTCCTTGTTCTTTTTGTGGGCCTGCATGTGGCTCTGCAGC[G>A]AGCTGGTGGAGGAGAAGCCGCGCTTGCACACAGTGCACTTGAAGGGCTTGCTGGAGCTGT-3'
Protein context (NP_001366215.1, residues 234-254): VCKRGFSSTS[Ser244Leu]LQSHMQAHKK